The following is an entry in ClinVar:

ClinVar aggregate classification (germline): Uncertain significance (1 of 4 stars; one submission).

Submission:

GeneDx
Classification: Uncertain significance. Last evaluated: 2026-02-05. Review status: criteria provided, single submitter. Criteria: GeneDx Variant Classification Process June 2021. Collection method: clinical testing. Allele origin: germline.
Comment: Not observed at significant frequency in large population cohorts (gnomAD); In-frame deletion of 3 amino acid(s) in a non-repeat region; In silico analysis suggests that this variant does not alter protein structure/function; Has not been previously published as pathogenic or benign to our knowledge

NM_005334.3(HCFC1):c.3266_3274del (p.Asn1089_Ala1091del)

Gene: HCFC1 (host cell factor C1; minus strand). Cytogenetic location: Xq28.
Variant type: Deletion.
Coding change: c.3266_3274del on transcript NM_005334.3 (MANE Select); coding-DNA positions 3266 to 3274, 9 bases deleted (ACACCGCCA; older notation c.3266_3274delACACCGCCA).
Protein change: p.Asn1089_Ala1091del.
Molecular consequence: inframe deletion.
Genome position (GRCh38, 1-based): chrX:153,955,125-153,955,133, TGGCGGTGT deleted on the plus strand (ACACCGCCA on the coding strand, the reverse complement: HCFC1 is on the minus strand); deleting any 9 consecutive bases within chrX:153,955,125-153,955,136 gives the same sequence; the c. name uses the placement nearest the transcript's 3' end. VCF-style (leftmost placement, unchanged base first): chrX-153955124-GTGGCGGTGT-G. GRCh37 (hg19) VCF-style: chrX-153220575-GTGGCGGTGT-G.
Other names: c.3266_3274del, p.Asn1089_Ala1091del (NM_001410705.1, NM_001440843.1, NM_001440844.1 and 5 more transcripts); c.3068_3076del, p.Asn1023_Ala1025del (NM_001440850.1, NM_001440851.1).
Identifiers: ClinVar variation 4975200 (VCV004975200.1).